The following is an entry in ClinVar:

ClinVar aggregate classification (germline): Uncertain significance. Review status: criteria provided, multiple submitters, no conflicts (2 of 4 stars). 2 submissions from 2 submitters: Uncertain significance (2). Last evaluated 2024-06-13.

Conditions:
Bethlem myopathy 1A. Also called: MYOPATHY, BENIGN CONGENITAL, WITH CONTRACTURES; Bethlem myopathy 1; Bethlem Muscular Dystrophy. Identifiers: Orphanet 610, MedGen CN029274, MONDO:0024530, OMIM 158810.

Allele frequency attached by ClinVar (database versions not stated): gnomAD exomes below 0.00001; ExAC 0.00001.
gnomAD v4.1: 4 of 1,614,232 alleles (0.00025%); highest among the groups gnomAD compares: Non-Finnish European, 0.00025%; no homozygotes.

Submissions (2):

Labcorp Genetics (formerly Invitae), Labcorp
Classification: Uncertain significance for Bethlem myopathy 1A. Last evaluated: 2024-06-13. Review status: criteria provided, single submitter. Criteria: Invitae Variant Classification Sherloc (09022015). Collection method: clinical testing. Allele origin: germline.
Comment: This sequence change replaces isoleucine, which is neutral and non-polar, with valine, which is neutral and non-polar, at codon 671 of the COL6A3 protein (p.Ile671Val). This variant is present in population databases (rs777358507, gnomAD 0.0009%). This variant has not been reported in the literature in individuals affected with COL6A3-related conditions. ClinVar contains an entry for this variant (Variation ID: 2440489). Advanced modeling of protein sequence and biophysical properties (such as structural, functional, and spatial information, amino acid conservation, physicochemical variation, residue mobility, and thermodynamic stability) performed at Invitae indicates that this missense variant is not expected to disrupt COL6A3 protein function with a negative predictive value of 95%. In summary, the available evidence is currently insufficient to determine the role of this variant in disease. Therefore, it has been classified as a Variant of Uncertain Significance.

Revvity Omics, Revvity
Classification: Uncertain significance. Last evaluated: 2021-09-09. Review status: criteria provided, single submitter. Criteria: ACMG Guidelines, 2015. Collection method: clinical testing. Allele origin: germline.

NM_004369.4(COL6A3):c.2011A>G (p.Ile671Val)

Gene: COL6A3 (collagen type VI alpha 3 chain; minus strand). Cytogenetic location: 2q37.3.
Variant type: single nucleotide variant.
Coding change: c.2011A>G on transcript NM_004369.4 (MANE Select); coding-DNA position 2011, A replaced by G.
Protein change: p.Ile671Val; replaces isoleucine 671 with valine.
Molecular consequence: missense variant. On other transcripts: intron variant (1).
Genome position (GRCh38, 1-based): chr2:237,379,122, T>C on the plus strand (A>G on the coding strand, the complement: COL6A3 is on the minus strand). VCF-style: chr2-237379122-T-C. GRCh37 (hg19) VCF-style: chr2-238287765-T-C.
Other names: c.790A>G, p.Ile264Val (NM_057164.5); c.1393A>G, p.Ile465Val (NM_057165.5, NM_057167.4); c.677-1778A>G (NM_057166.5); short protein forms I264V, I465V, I671V.
Identifiers: ClinVar variation 2440489 (VCV002440489.5), dbSNP rs777358507, ClinGen allele CA2189495.